The following is an entry in ClinVar:

ClinVar aggregate classification (germline): Uncertain significance (1 of 4 stars; one submission).

Allele frequency attached by ClinVar (database versions not stated): ExAC 0.00001; gnomAD exomes 0.00001; TOPMed 0.00001.
gnomAD v4.1: 19 of 1,614,074 alleles (0.0012%); highest among the groups gnomAD compares: East Asian, 0.0045%; no homozygotes.

Submission:

Institute for Clinical Genetics, University Hospital TU Dresden, University Hospital TU Dresden
Classification: Uncertain significance. Last evaluated: 2022-12-13. Review status: criteria provided, single submitter. Criteria: ACMG Guidelines, 2015. Collection method: clinical testing. Allele origin: germline.
Comment: PM2_SUP, PP2

NM_003128.3(SPTBN1):c.7034G>A (p.Arg2345Gln)

Genes: SPTBN1 (spectrin beta, non-erythrocytic 1; plus strand), SPTBN1-AS2 (SPTBN1 antisense RNA 2; minus strand). Cytogenetic location: 2p16.2.
Variant type: single nucleotide variant.
Coding change: c.7034G>A on transcript NM_003128.3 (MANE Select); coding-DNA position 7034, G replaced by A.
Protein change: p.Arg2345Gln; replaces arginine 2345 with glutamine.
Molecular consequence: missense variant.
Genome position (GRCh38, 1-based): chr2:54,668,508, G>A. VCF-style: chr2-54668508-G-A. GRCh37 (hg19) VCF-style: chr2-54895645-G-A.
Other names: short protein forms R2345Q.
Identifiers: ClinVar variation 2576069 (VCV002576069.1), dbSNP rs753996702, ClinGen allele CA1661919.